The following is an entry in ClinVar:

NM_006796.2(AFG3L2):c.-357C>G

Gene: AFG3L2 (AFG3 like matrix AAA peptidase subunit 2; minus strand). Cytogenetic location: 18p11.21.
Variant type: single nucleotide variant.
Coding change: c.-357C>G on transcript NM_006796.2; 357 bases upstream of the start codon, C replaced by G.
Genome position (GRCh38, 1-based): chr18:12,377,439, G>C on the plus strand (C>G on the coding strand, the complement: AFG3L2 is on the minus strand). VCF-style: chr18-12377439-G-C. GRCh37 (hg19) VCF-style: chr18-12377438-G-C.
Identifiers: ClinVar variation 672506 (VCV000672506.4), dbSNP rs75052325, ClinGen allele CA296727103.

ClinVar aggregate classification (germline): Likely benign. Review status: criteria provided, multiple submitters, no conflicts (2 of 4 stars). 2 submissions from 2 submitters: Likely benign (2). Last evaluated 2018-06-14.

Allele frequency attached by ClinVar (database versions not stated): 1000 Genomes Project 0.01498; 1000 Genomes Project 30x 0.01608; gnomAD exomes 0.00340; gnomAD 0.01475 and 0.01545; TOPMed 0.01766.

Submissions (2):

GeneDx
Classification: Likely benign. Last evaluated: 2018-06-14. Review status: criteria provided, single submitter. Criteria: GeneDx Variant Classification (06012015). Collection method: clinical testing. Allele origin: germline. Affected: yes.
Comment: This variant is considered likely benign or benign based on one or more of the following criteria: it is a conservative change, it occurs at a poorly conserved position in the protein, it is predicted to be benign by multiple in silico algorithms, and/or has population frequency not consistent with disease.

Breakthrough Genomics
Classification: Likely benign. Review status: criteria provided, single submitter. Criteria: ACMG Guidelines, 2015. Collection method: not provided. Allele origin: germline. Inheritance: Autosomal recessive inheritance. Affected: yes.